The following is an entry in ClinVar:

ClinVar aggregate classification (germline): Uncertain significance. Review status: criteria provided, multiple submitters, no conflicts (2 of 4 stars). 2 submissions from 2 submitters: Uncertain significance (2). Last evaluated 2021-09-24.

Allele frequency attached by ClinVar (database versions not stated): gnomAD exomes 0.00002 and 0.00005; gnomAD 0.00006; ExAC 0.00007; TOPMed 0.00007; 1000 Genomes Project 30x 0.00016; 1000 Genomes Project 0.00020.
gnomAD v4.1: 33 of 1,614,118 alleles (0.002%); highest among the groups gnomAD compares: East Asian, 0.071%; no homozygotes.

Submissions (2):

Labcorp Genetics (formerly Invitae), Labcorp
Classification: Uncertain significance. Last evaluated: 2021-09-24. Review status: criteria provided, single submitter. Criteria: Invitae Variant Classification Sherloc (09022015). Collection method: clinical testing. Allele origin: germline.
Comment: This sequence change replaces lysine with arginine at codon 244 of the SCP2 protein (p.Lys244Arg). The lysine residue is moderately conserved and there is a small physicochemical difference between lysine and arginine. This variant is present in population databases (rs201663646, ExAC 0.09%). This variant has not been reported in the literature in individuals affected with SCP2-related conditions. ClinVar contains an entry for this variant (Variation ID: 593049). Algorithms developed to predict the effect of missense changes on protein structure and function (SIFT, PolyPhen-2, Align-GVGD) all suggest that this variant is likely to be tolerated. Algorithms developed to predict the effect of sequence changes on RNA splicing suggest that this variant may create or strengthen a splice site. In summary, the available evidence is currently insufficient to determine the role of this variant in disease. Therefore, it has been classified as a Variant of Uncertain Significance.

Eurofins Ntd Llc (ga)
Classification: Uncertain significance. Last evaluated: 2017-07-05. Review status: criteria provided, single submitter. Criteria: EGL Classification Definitions 2015. Collection method: clinical testing. Allele origin: germline. Observed: 1 variant allele, 1 heterozygote.

NM_002979.5(SCP2):c.731A>G (p.Lys244Arg)

Gene: SCP2 (sterol carrier protein 2; plus strand). Cytogenetic location: 1p32.3.
Variant type: single nucleotide variant.
Coding change: c.731A>G on transcript NM_002979.5 (MANE Select); coding-DNA position 731, A replaced by G.
Protein change: p.Lys244Arg; replaces lysine 244 with arginine.
Molecular consequence: missense variant.
Genome position (GRCh38, 1-based): chr1:52,978,273, A>G. VCF-style: chr1-52978273-A-G. GRCh37 (hg19) VCF-style: chr1-53443945-A-G.
Other names: c.599A>G, p.Lys200Arg (NM_001007098.3, NM_001193600.2); c.659A>G, p.Lys220Arg (NM_001193599.2); c.488A>G, p.Lys163Arg (NM_001193617.2); c.731A>G, p.Lys244Arg (NM_001330587.2); short protein forms K244R, K220R, K163R, K200R.
Identifiers: ClinVar variation 593049 (VCV000593049.9), dbSNP rs201663646, ClinGen allele CA857220.